The following is an entry in ClinVar:

ClinVar aggregate classification (germline): Likely pathogenic (1 of 4 stars; one submission).

Conditions:
Autosomal recessive nonsyndromic hearing loss 2. Also called: NEUROSENSORY NONSYNDROMIC RECESSIVE DEAFNESS 2; DEAFNESS, AUTOSOMAL RECESSIVE 2. Identifiers: Orphanet 90636, MedGen C1838701, MONDO:0010807, OMIM 600060.

Submission:

Institute of Rare Diseases, West China Hospital, Sichuan University
Classification: Likely pathogenic for Autosomal recessive nonsyndromic hearing loss 2. Last evaluated: 2025-01-09. Review status: criteria provided, single submitter. Criteria: ClinGen HL ACMG Specifications v1. Collection method: research. Allele origin: germline. Affected: yes.
Comment: PVS1;PM2_Supporting

NM_000260.4(MYO7A):c.1107C>A (p.Cys369Ter)

Gene: MYO7A (myosin VIIA; plus strand). Cytogenetic location: 11q13.5.
Variant type: single nucleotide variant.
Coding change: c.1107C>A on transcript NM_000260.4 (MANE Select); coding-DNA position 1107, C replaced by A.
Protein change: p.Cys369Ter; replaces cysteine 369 with a stop codon.
Molecular consequence: nonsense.
Genome position (GRCh38, 1-based): chr11:77,160,189, C>A. VCF-style: chr11-77160189-C-A. GRCh37 (hg19) VCF-style: chr11-76871235-C-A.
Other names: c.1107C>A, p.Cys369Ter (NM_001127180.2); c.1074C>A, p.Cys358Ter (NM_001369365.1); short protein forms C358*, C369*.
Identifiers: ClinVar variation 3601446 (VCV003601446.1).